The following is an entry in ClinVar:

ClinVar aggregate classification (germline): Uncertain significance (1 of 4 stars; one submission).

Allele frequency attached by ClinVar (database versions not stated): ExAC 0.00001.
gnomAD v4.1: 8 of 1,613,312 alleles (0.0005%); highest among the groups gnomAD compares: Non-Finnish European, 0.00068%; no homozygotes.

Submission:

Labcorp Genetics (formerly Invitae), Labcorp
Classification: Uncertain significance. Last evaluated: 2025-02-10. Review status: criteria provided, single submitter. Criteria: Invitae Variant Classification Sherloc (09022015). Collection method: clinical testing. Allele origin: germline.
Comment: This sequence change replaces histidine, which is basic and polar, with leucine, which is neutral and non-polar, at codon 722 of the GRM6 protein (p.His722Leu). This variant is present in population databases (rs764767155, gnomAD 0.002%). This variant has not been reported in the literature in individuals affected with GRM6-related conditions. ClinVar contains an entry for this variant (Variation ID: 1970716). Invitae Evidence Modeling of protein sequence and biophysical properties (such as structural, functional, and spatial information, amino acid conservation, physicochemical variation, residue mobility, and thermodynamic stability) indicates that this missense variant is not expected to disrupt GRM6 protein function with a negative predictive value of 95%. In summary, the available evidence is currently insufficient to determine the role of this variant in disease. Therefore, it has been classified as a Variant of Uncertain Significance.

NM_000843.4(GRM6):c.2165A>T (p.His722Leu)

Genes: GRM6 (glutamate metabotropic receptor 6; minus strand), ZNF454 (zinc finger protein 454; plus strand). Cytogenetic location: 5q35.3.
Variant type: single nucleotide variant.
Coding change: c.2165A>T on transcript NM_000843.4 (MANE Select); coding-DNA position 2165, A replaced by T.
Protein change: p.His722Leu; replaces histidine 722 with leucine.
Molecular consequence: missense variant.
Genome position (GRCh38, 1-based): chr5:178,983,181, T>A on the plus strand (A>T on the coding strand, the complement: GRM6 is on the minus strand). VCF-style: chr5-178983181-T-A. GRCh37 (hg19) VCF-style: chr5-178410182-T-A.
Other names: short protein forms H722L.
Identifiers: ClinVar variation 1970716 (VCV001970716.5), dbSNP rs764767155, ClinGen allele CA3593611.
Genomic context (GRCh38, chr5:178,983,181, plus strand): 5'-AGCACCCCTCTGGCCTGCTCGGGGTCCACCGTCCGCTGTTCCTCATAGTCAATCACGCTG[T>A]GTGGGGGCCGGGCCCCCAGCCATGCTATCATCCCCACCACCTGCAGGAGCCAACACTGCA-3'
Protein context (NP_000834.2, residues 712-732): MIAWLGARPP[His722Leu]SVIDYEEQRT